The following is an entry in ClinVar:

NM_000069.3(CACNA1S):c.2822T>C (p.Met941Thr)

Gene: CACNA1S (calcium voltage-gated channel subunit alpha1 S; minus strand). Cytogenetic location: 1q32.1.
Variant type: single nucleotide variant.
Coding change: c.2822T>C on transcript NM_000069.3 (MANE Select); coding-DNA position 2822, T replaced by C.
Protein change: p.Met941Thr; replaces methionine 941 with threonine.
Molecular consequence: missense variant.
Genome position (GRCh38, 1-based): chr1:201,065,869, A>G on the plus strand (T>C on the coding strand, the complement: CACNA1S is on the minus strand). VCF-style: chr1-201065869-A-G. GRCh37 (hg19) VCF-style: chr1-201034997-A-G.
Other names: c.2822T>C (NM_000069.2); short protein forms M941T.
Identifiers: ClinVar variation 1008931 (VCV001008931.15), dbSNP rs575247457, ClinGen allele CA079305.

ClinVar aggregate classification (germline): Uncertain significance. Review status: criteria provided, multiple submitters, no conflicts (2 of 4 stars). 11 submissions from 8 submitters: Uncertain significance (11). Last evaluated 2025-10-12.

Conditions:
Thyrotoxic periodic paralysis, susceptibility to, 1 (TTPP1). Identifiers: Orphanet 79102, MedGen C2749982, MONDO:0008570, OMIM 188580.
Hypokalemic periodic paralysis, type 1. Also called: HypoPP; Hypokalemic Periodic Paralysis Type 1 (AD). Identifiers: Orphanet 681, MedGen C3714580, MONDO:0042979, OMIM 170400.
Malignant hyperthermia, susceptibility to, 5 (MHS5). Also called: CACNA1S-Related Malignant Hyperthermia Susceptibility. Identifiers: Orphanet 423, MedGen C1866077, MONDO:0011163, OMIM 601887.
CACNA1S-related disorder. Also called: CACNA1S-related condition.
Congenital myopathy 18. Also called: Myopathy, congenital, due to dihydropyridine receptor defect; DIHYDROPYRIDINE RECEPTOR CONGENITAL MYOPATHY; DHPR CONGENITAL MYOPATHY. Identifiers: MedGen C5830283, MONDO:0859514, OMIM 620246.
Inborn genetic diseases. Identifiers: MedGen C0950123, MeSH D030342.

Allele frequency attached by ClinVar (database versions not stated): TOPMed 0.00002; gnomAD 0.00004; ExAC 0.00007; gnomAD exomes 0.00008 and 0.00009.
gnomAD v4.1: 140 of 1,614,014 alleles (0.0087%); highest among the groups gnomAD compares: Non-Finnish European, 0.011%; no homozygotes.

Submissions (11):

Labcorp Genetics (formerly Invitae), Labcorp
Classification: Uncertain significance for Hypokalemic periodic paralysis, type 1; Malignant hyperthermia, susceptibility to, 5. Last evaluated: 2025-10-12. Review status: criteria provided, single submitter. Criteria: Invitae Variant Classification Sherloc (09022015). Collection method: clinical testing. Allele origin: germline.
Comment: This sequence change replaces methionine, which is neutral and non-polar, with threonine, which is neutral and polar, at codon 941 of the CACNA1S protein (p.Met941Thr). This variant is present in population databases (rs575247457, gnomAD 0.02%). This variant has not been reported in the literature in individuals affected with CACNA1S-related conditions. ClinVar contains an entry for this variant (Variation ID: 1008931). Invitae Evidence Modeling of protein sequence and biophysical properties (such as structural, functional, and spatial information, amino acid conservation, physicochemical variation, residue mobility, and thermodynamic stability) has been performed for this missense variant. However, the output from this modeling did not meet the statistical confidence thresholds required to predict the impact of this variant on CACNA1S protein function. In summary, the available evidence is currently insufficient to determine the role of this variant in disease. Therefore, it has been classified as a Variant of Uncertain Significance.

PreventionGenetics, part of Exact Sciences
Classification: Uncertain significance for CACNA1S-related condition. Last evaluated: 2025-09-09. Review status: criteria provided, single submitter. Criteria: ACMG Guidelines, 2015. Collection method: clinical testing. Allele origin: germline.
Comment: The CACNA1S c.2822T>C variant is predicted to result in the amino acid substitution p.Met941Thr. To our knowledge, this variant has not been reported in the literature. This variant is reported in 0.015% of alleles in individuals of European (Non-Finnish) descent in gnomAD. At this time, the clinical significance of this variant is uncertain due to the absence of conclusive functional and genetic evidence.

Revvity Omics, Revvity
Classification: Uncertain significance. Last evaluated: 2024-09-20. Review status: criteria provided, single submitter. Criteria: ACMG Guidelines, 2015. Collection method: clinical testing. Allele origin: germline.

All of Us Research Program, National Institutes of Health
Classification: Uncertain significance for Malignant hyperthermia, susceptibility to, 5. Last evaluated: 2024-06-17. Review status: criteria provided, single submitter. Criteria: ACMG Guidelines, 2015. Collection method: clinical testing. Allele origin: germline. Inheritance: Autosomal dominant inheritance. Observed: 12 variant alleles, 12 heterozygotes.
Comment: This missense variant replaces methionine with threonine at codon 941 of the CACNA1S protein. Computational prediction suggests that this variant may have deleterious impact on protein structure and function (internally defined REVEL score threshold >= 0.7, PMID: 27666373). To our knowledge, functional studies have not been reported for this variant. This variant has not been reported in individuals affected with CACNA1S-related disorders in the literature. This variant has been identified in 22/282688 chromosomes in the general population by the Genome Aggregation Database (gnomAD). The available evidence is insufficient to determine the role of this variant in disease conclusively. Therefore, this variant is classified as a Variant of Uncertain Significance.

This study involves interpretation of variants in research participants for the purpose of population health screening. Participant phenotype was not available at the time of variant classification. Additional details can be found in publication PMID: 35346344, PMCID: PMC8962531

Color Diagnostics, LLC DBA Color Health
Classification: Uncertain significance for Malignant hyperthermia, susceptibility to, 5. Last evaluated: 2024-03-06. Review status: criteria provided, single submitter. Criteria: ACMG Guidelines, 2015. Collection method: clinical testing. Allele origin: germline.
Comment: This missense variant replaces methionine with threonine at codon 941 of the CACNA1S protein. Computational prediction suggests that this variant may have deleterious impact on protein structure and function. To our knowledge, functional studies have not been reported for this variant. This variant has not been reported in individuals affected with CACNA1S-related disorders in the literature. This variant has been identified in 22/282688 chromosomes in the general population by the Genome Aggregation Database (gnomAD). The available evidence is insufficient to determine the role of this variant in disease conclusively. Therefore, this variant is classified as a Variant of Uncertain Significance.

Ambry Genetics
Classification: Uncertain significance for Inborn genetic diseases. Last evaluated: 2023-10-20. Review status: criteria provided, single submitter. Criteria: Ambry Variant Classification Scheme 2023. Collection method: clinical testing. Allele origin: germline.

Genome-Nilou Lab
Classification: Uncertain significance for Malignant hyperthermia, susceptibility to, 5. Last evaluated: 2023-04-11. Review status: criteria provided, single submitter. Criteria: ACMG Guidelines, 2015. Collection method: clinical testing. Allele origin: germline. Affected: no.

Genome-Nilou Lab
Classification: Uncertain significance for Thyrotoxic periodic paralysis, susceptibility to, 1. Last evaluated: 2023-04-11. Review status: criteria provided, single submitter. Criteria: ACMG Guidelines, 2015. Collection method: clinical testing. Allele origin: germline. Affected: no.

Genome-Nilou Lab
Classification: Uncertain significance for Congenital myopathy 18. Last evaluated: 2023-04-11. Review status: criteria provided, single submitter. Criteria: ACMG Guidelines, 2015. Collection method: clinical testing. Allele origin: germline. Affected: no.

Genome-Nilou Lab
Classification: Uncertain significance for Hypokalemic periodic paralysis, type 1. Last evaluated: 2023-04-11. Review status: criteria provided, single submitter. Criteria: ACMG Guidelines, 2015. Collection method: clinical testing. Allele origin: germline. Affected: no.

Fulgent Genetics
Classification: Uncertain significance for Hypokalemic periodic paralysis, type 1; Thyrotoxic periodic paralysis, susceptibility to, 1; Malignant hyperthermia, susceptibility to, 5. Last evaluated: 2022-03-19. Review status: criteria provided, single submitter. Criteria: ACMG Guidelines, 2015. Collection method: clinical testing. Allele origin: unknown.